The following is an entry in ClinVar:

NM_024426.6(WT1):c.467C>T (p.Pro156Leu)

Genes: WT1 (WT1 transcription factor; minus strand), LOC107982234 (WT1/WT1-AS bi-directional promoter region; plus strand). Cytogenetic location: 11p13.
Variant type: single nucleotide variant.
Coding change: c.467C>T on transcript NM_024426.6 (MANE Select); coding-DNA position 467, C replaced by T.
Protein change: p.Pro156Leu; replaces proline 156 with leucine.
Molecular consequence: missense variant. On other transcripts: non-coding transcript variant (1).
Genome position (GRCh38, 1-based): chr11:32,434,894, G>A on the plus strand (C>T on the coding strand, the complement: WT1 is on the minus strand). VCF-style: chr11-32434894-G-A. GRCh37 (hg19) VCF-style: chr11-32456440-G-A.
Other names: c.452C>T (NM_024426.4); c.467C>T, p.Pro156Leu (NM_000378.6, NM_024424.5); short protein forms P156L.
Identifiers: ClinVar variation 1043788 (VCV001043788.9), dbSNP rs1225927150, ClinGen allele CA379964988.

ClinVar aggregate classification (germline): Uncertain significance. Review status: criteria provided, multiple submitters, no conflicts (2 of 4 stars). 3 submissions from 3 submitters: Uncertain significance (3). Last evaluated 2025-05-27.

Conditions:
Inborn genetic diseases. Identifiers: MedGen C0950123, MeSH D030342.
Wilms tumor 1 (WT1). Also called: Wilms tumor, somatic. Identifiers: Orphanet 654, MedGen CN033288, MONDO:0008679, OMIM 194070.
11p partial monosomy syndrome (WAGR). Also called: WAGR Spectrum Disorder; WAGR Complex; WAGR syndrome; CHROMOSOME 11p13 DELETION SYNDROME. Identifiers: Orphanet 893, MedGen C0206115, MONDO:0008681, OMIM 194072.
Drash syndrome (DDS). Also called: NEPHROPATHY, WILMS TUMOR, AND GENITAL ANOMALIES; WILMS TUMOR AND PSEUDO- OR TRUE HERMAPHRODITISM. Identifiers: Orphanet 220, MedGen C0950121, MONDO:0008682, OMIM 194080.
Frasier syndrome. Identifiers: Orphanet 347, MedGen C0950122, MeSH D052159, MONDO:0007635, OMIM 136680.
Nephrotic syndrome, type 4 (NPHS4). Also called: Familial mesangial sclerosis; Nephrotic syndrome, early onset with diffuse mesangial sclerosis. Identifiers: Orphanet 656, MedGen C3151568, MONDO:0009733, OMIM 256370.
Meacham syndrome. Also called: Meacham Winn Culler syndrome. Identifiers: Orphanet 3097, MedGen C1837026, MONDO:0012164, OMIM 608978.
Mesothelioma, malignant (MESOM). Also called: Malignant mesothelioma (disease). Identifiers: Orphanet 50251, MedGen C0345967, MONDO:0006292, OMIM 156240, HP:0100001.

gnomAD v4.1: 1 of 1,611,758 alleles (0.000062%); no homozygotes.

Submissions (3):

Labcorp Genetics (formerly Invitae), Labcorp
Classification: Uncertain significance for Wilms tumor 1; Drash syndrome; 11p partial monosomy syndrome; Frasier syndrome. Last evaluated: 2025-05-27. Review status: criteria provided, single submitter. Criteria: Invitae Variant Classification Sherloc (09022015). Collection method: clinical testing. Allele origin: germline.
Comment: This sequence change replaces proline, which is neutral and non-polar, with leucine, which is neutral and non-polar, at codon 151 of the WT1 protein (p.Pro151Leu). This variant is not present in population databases (gnomAD no frequency). This variant has not been reported in the literature in individuals affected with WT1-related conditions. ClinVar contains an entry for this variant (Variation ID: 1043788). Invitae Evidence Modeling of protein sequence and biophysical properties (such as structural, functional, and spatial information, amino acid conservation, physicochemical variation, residue mobility, and thermodynamic stability) indicates that this missense variant is not expected to disrupt WT1 protein function with a negative predictive value of 95%. In summary, the available evidence is currently insufficient to determine the role of this variant in disease. Therefore, it has been classified as a Variant of Uncertain Significance.

Ambry Genetics
Classification: Uncertain significance for Inborn genetic diseases. Last evaluated: 2025-01-13. Review status: criteria provided, single submitter. Criteria: Ambry Variant Classification Scheme 2023. Collection method: clinical testing. Allele origin: germline.
Comment: The p.P151L variant (also known as c.452C>T), located in coding exon 1 of the WT1 gene, results from a C to T substitution at nucleotide position 452. The proline at codon 151 is replaced by leucine, an amino acid with similar properties. This amino acid position is conserved. In addition, this alteration is predicted to be tolerated by in silico analysis. Based on the available evidence, the clinical significance of this variant remains unclear.

Fulgent Genetics
Classification: Uncertain significance for Frasier syndrome; Mesothelioma, malignant; Wilms tumor 1; Drash syndrome; Nephrotic syndrome, type 4; Meacham syndrome. Last evaluated: 2024-05-18. Review status: criteria provided, single submitter. Criteria: ACMG Guidelines, 2015. Collection method: clinical testing. Allele origin: germline.